The following is an entry in ClinVar:

NM_020877.5(DNAH2):c.4510G>A (p.Asp1504Asn)

Gene: DNAH2 (dynein axonemal heavy chain 2; plus strand). Cytogenetic location: 17p13.1.
Variant type: single nucleotide variant.
Coding change: c.4510G>A on transcript NM_020877.5 (MANE Select); coding-DNA position 4510, G replaced by A.
Protein change: p.Asp1504Asn; replaces aspartic acid 1504 with asparagine.
Molecular consequence: missense variant.
Genome position (GRCh38, 1-based): chr17:7,774,767, G>A. VCF-style: chr17-7774767-G-A. GRCh37 (hg19) VCF-style: chr17-7678085-G-A.
Other names: short protein forms D1504N.
Identifiers: ClinVar variation 3056414 (VCV003056414.2), dbSNP rs79662110, ClinGen allele CA8357169.

ClinVar aggregate classification (germline): Benign (0 of 4 stars; one submission).

Conditions:
DNAH2-related disorder. Also called: DNAH2-related condition.

Allele frequency attached by ClinVar (database versions not stated): ESP Exome Variant Server 0.00115; gnomAD exomes 0.00394; gnomAD 0.00509; 1000 Genomes Project 0.00879; 1000 Genomes Project 30x 0.00937; TOPMed 0.00989; ExAC 0.01121.
gnomAD v4.1: 6,501 of 1,613,926 alleles (0.4%); highest among the groups gnomAD compares: Admixed American, 7%; 212 homozygotes.

Submission:

PreventionGenetics, part of Exact Sciences
Classification: Benign for DNAH2-related condition. Last evaluated: 2020-01-20. Review status: no assertion criteria provided. Collection method: clinical testing. Allele origin: germline.
Comment: This variant is classified as benign based on ACMG/AMP sequence variant interpretation guidelines (Richards et al. 2015 PMID: 25741868, with internal and published modifications).